The following is an entry in ClinVar:

NM_000256.3(MYBPC3):c.3407A>G (p.Tyr1136Cys)

Gene: MYBPC3 (myosin binding protein C3; minus strand). Cytogenetic location: 11p11.2.
Variant type: single nucleotide variant.
Coding change: c.3407A>G on transcript NM_000256.3 (MANE Select); coding-DNA position 3407, A replaced by G.
Protein change: p.Tyr1136Cys; replaces tyrosine 1136 with cysteine.
Molecular consequence: missense variant.
Genome position (GRCh38, 1-based): chr11:47,332,897, T>C on the plus strand (A>G on the coding strand, the complement: MYBPC3 is on the minus strand). VCF-style: chr11-47332897-T-C. GRCh37 (hg19) VCF-style: chr11-47354448-T-C.
Other names: short protein forms Y1136C.
Identifiers: ClinVar variation 1171216 (VCV001171216.3), dbSNP rs1278059170, ClinGen allele CA380313532.

ClinVar aggregate classification (germline): Uncertain significance (1 of 4 stars; one submission).

Conditions:
Cardiomyopathy (CMYO). Also called: Cardiomyopathies. Identifiers: Orphanet 167848, MedGen C0878544, MONDO:0004994, HP:0001638. Inheritance: Various modes of inheritance.

Allele frequency attached by ClinVar (database versions not stated): gnomAD exomes below 0.00001.
gnomAD v4.1: 2 of 1,608,706 alleles (0.00012%); highest among the groups gnomAD compares: African/African-American, 0.0013%; no homozygotes.

Submission:

Color Diagnostics, LLC DBA Color Health
Classification: Uncertain significance for Cardiomyopathy. Last evaluated: 2024-03-06. Review status: criteria provided, single submitter. Criteria: ACMG Guidelines, 2015. Collection method: clinical testing. Allele origin: germline.
Comment: This missense variant replaces tyrosine with cysteine at codon 1136 of the MYBPC3 protein. Computational prediction suggests that this variant may not impact protein structure and function (internally defined REVEL score threshold <= 0.5, PMID: 27666373). To our knowledge, functional studies have not been reported for this variant. This variant has not been reported in individuals affected with cardiovascular disorders in the literature. This variant has been identified in 1/238318 chromosomes in the general population by the Genome Aggregation Database (gnomAD). The available evidence is insufficient to determine the role of this variant in disease conclusively. Therefore, this variant is classified as a Variant of Uncertain Significance.